The following is an entry in ClinVar:

NM_199069.2(NDUFAF3):c.18G>C (p.Ala6=)

Genes: NDUFAF3 (NADH:ubiquinone oxidoreductase complex assembly factor 3; plus strand), LOC129936729 (ATAC-STARR-seq lymphoblastoid silent region 14349; plus strand). Cytogenetic location: 3p21.31.
Variant type: single nucleotide variant.
Coding change: c.18G>C on transcript NM_199069.2 (MANE Select); coding-DNA position 18, G replaced by C.
Protein change: p.Ala6=; no amino-acid change (alanine 6 retained).
Molecular consequence: synonymous variant. On other transcripts: intron variant (3).
Genome position (GRCh38, 1-based): chr3:49,022,162, G>C. VCF-style: chr3-49022162-G-C. GRCh37 (hg19) VCF-style: chr3-49059595-G-C.
Other names: c.-94-184G>C (NM_199074.2, NM_199073.2, NM_199070.2).
Identifiers: ClinVar variation 2157306 (VCV002157306.28), dbSNP rs921586353, ClinGen allele CA74014747.

ClinVar aggregate classification (germline): Likely benign. Review status: criteria provided, multiple submitters, no conflicts (2 of 4 stars). 2 submissions from 2 submitters: Likely benign (2). Last evaluated 2023-11-27.

Allele frequency attached by ClinVar (database versions not stated): gnomAD 0.00002; gnomAD exomes 0.00002; TOPMed 0.00002.
gnomAD v4.1: 34 of 1,609,740 alleles (0.0021%); highest among the groups gnomAD compares: Non-Finnish European, 0.0028%; no homozygotes.

Submissions (2):

Labcorp Genetics (formerly Invitae), Labcorp
Classification: Likely benign. Last evaluated: 2023-11-27. Review status: criteria provided, single submitter. Criteria: Invitae Variant Classification Sherloc (09022015). Collection method: clinical testing. Allele origin: germline.

CeGaT Center for Human Genetics Tuebingen
Classification: Likely benign. Last evaluated: 2022-09-01. Review status: criteria provided, single submitter. Criteria: CeGaT Center For Human Genetics Tuebingen Variant Classification Criteria Version 2. Collection method: clinical testing. Allele origin: germline. Affected: yes. Observed: 1 variant allele.
Comment: NDUFAF3: BP4, BP7